The following is an entry in ClinVar:

ClinVar aggregate classification (germline): Uncertain significance (1 of 4 stars; one submission).

Conditions:
Brain small vessel disease 1 with or without ocular anomalies (BSVD1). Also called: BRAIN SMALL VESSEL DISEASE WITH HEMORRHAGE; GOULD SYNDROME 1; Brain small vessel disease with or without ocular anomalies; PORENCEPHALY, TYPE 1, AUTOSOMAL DOMINANT. Identifiers: Orphanet 2940, Orphanet 36383, Orphanet 99810, MedGen C4755307, MONDO:0008289, OMIM 175780.

Submission:

Clinical Genetics Laboratory, University Hospital Schleswig-Holstein
Classification: Uncertain significance for Brain small vessel disease 1 with or without ocular anomalies. Last evaluated: 2025-05-08. Review status: criteria provided, single submitter. Criteria: ACMG Guidelines, 2015. Collection method: clinical testing. Allele origin: germline. Affected: yes. Observed: 1 heterozygote.
Comment: ACMG criteria applied: PM2, PP3, PM1

NM_001845.6(COL4A1):c.2699G>A (p.Gly900Glu)

Gene: COL4A1 (collagen type IV alpha 1 chain; minus strand). Cytogenetic location: 13q34.
Variant type: single nucleotide variant.
Coding change: c.2699G>A on transcript NM_001845.6 (MANE Select); coding-DNA position 2699, G replaced by A.
Protein change: p.Gly900Glu; replaces glycine 900 with glutamic acid.
Molecular consequence: missense variant.
Genome position (GRCh38, 1-based): chr13:110,177,859, C>T on the plus strand (G>A on the coding strand, the complement: COL4A1 is on the minus strand). VCF-style: chr13-110177859-C-T. GRCh37 (hg19) VCF-style: chr13-110830206-C-T.
Other names: short protein forms G900E.
Identifiers: ClinVar variation 5042044 (VCV005042044.1).
Genomic context (GRCh38, chr13:110,177,859, plus strand): 5'-AAATAGACACAAAATGAGCTTCTAGGGTTATCAGCTCCCCTACCTTTTTCACCCGGTAAT[C>T]CAGGAGCACCCACTGGTCCTGGTGAGCCCGGCTGCCCGGGGGTCCCCATGACGCCCATTT-3'
Protein context (NP_001836.3, residues 890-910): PGSPGPVGAP[Gly900Glu]LPGEKGDHGF